The following is an entry in ClinVar:

NM_001329943.3(KIAA0586):c.1447G>A (p.Val483Ile)

Gene: KIAA0586 (KIAA0586; plus strand). Cytogenetic location: 14q23.1.
Variant type: single nucleotide variant.
Coding change: c.1447G>A on transcript NM_001329943.3 (MANE Select); coding-DNA position 1447, G replaced by A.
Protein change: p.Val483Ile; replaces valine 483 with isoleucine.
Molecular consequence: missense variant.
Genome position (GRCh38, 1-based): chr14:58,457,843, G>A. VCF-style: chr14-58457843-G-A. GRCh37 (hg19) VCF-style: chr14-58924561-G-A.
Other names: c.1315G>A, p.Val439Ile (NM_001244192.2); c.1027G>A, p.Val343Ile (NM_001244193.2); c.1447G>A, p.Val483Ile (NM_001329944.2, NM_001329946.2, NM_001329947.2 and 1 more transcripts); c.1192G>A, p.Val398Ile (NM_001329945.2, NM_001364700.1, NM_001364701.2 and 1 more transcripts); c.1606G>A, p.Val536Ile (NM_001244189.2); c.1402G>A, p.Val468Ile (NM_001244190.2); short protein forms V468I, V343I, V398I, V536I, V439I, V483I.
Identifiers: ClinVar variation 1914886 (VCV001914886.5), dbSNP rs1880456222, ClinGen allele CA389868321.

ClinVar aggregate classification (germline): Uncertain significance (1 of 4 stars; one submission).

Conditions:
Short-rib thoracic dysplasia 14 with polydactyly (SRTD14). Identifiers: Orphanet 397715, MedGen C4225286, MONDO:0014688, OMIM 616546.
Joubert syndrome 23 (JBTS23). Identifiers: Orphanet 475, MedGen C4084822, MONDO:0014664, OMIM 616490.

Allele frequency attached by ClinVar (database versions not stated): TOPMed below 0.00001; gnomAD exomes 0.00001; gnomAD 0.00001.
gnomAD v4.1: 10 of 1,608,508 alleles (0.00062%); highest among the groups gnomAD compares: Non-Finnish European, 0.00085%; no homozygotes.

Submission:

Labcorp Genetics (formerly Invitae), Labcorp
Classification: Uncertain significance for Joubert syndrome 23; Short-rib thoracic dysplasia 14 with polydactyly. Last evaluated: 2025-09-02. Review status: criteria provided, single submitter. Criteria: Invitae Variant Classification Sherloc (09022015). Collection method: clinical testing. Allele origin: germline.
Comment: This sequence change replaces valine, which is neutral and non-polar, with isoleucine, which is neutral and non-polar, at codon 536 of the KIAA0586 protein (p.Val536Ile). This variant is not present in population databases (gnomAD no frequency). This variant has not been reported in the literature in individuals affected with KIAA0586-related conditions. ClinVar contains an entry for this variant (Variation ID: 1914886). Invitae Evidence Modeling of protein sequence and biophysical properties (such as structural, functional, and spatial information, amino acid conservation, physicochemical variation, residue mobility, and thermodynamic stability) indicates that this missense variant is not expected to disrupt KIAA0586 protein function with a negative predictive value of 80%. In summary, the available evidence is currently insufficient to determine the role of this variant in disease. Therefore, it has been classified as a Variant of Uncertain Significance.